The following is an entry in ClinVar:

NM_022132.5(MCCC2):c.913G>T (p.Glu305Ter)

Gene: MCCC2 (methylcrotonyl-CoA carboxylase subunit 2; plus strand). Cytogenetic location: 5q13.2.
Variant type: single nucleotide variant.
Coding change: c.913G>T on transcript NM_022132.5 (MANE Select); coding-DNA position 913, G replaced by T.
Protein change: p.Glu305Ter; replaces glutamic acid 305 with a stop codon.
Molecular consequence: nonsense.
Genome position (GRCh38, 1-based): chr5:71,635,160, G>T. VCF-style: chr5-71635160-G-T. GRCh37 (hg19) VCF-style: chr5-70930987-G-T.
Other names: c.799G>T, p.Glu267Ter (NM_001363147.1); short protein forms E267*, E305*.
Identifiers: ClinVar variation 975892 (VCV000975892.1), dbSNP rs1746873504, ClinGen allele CA359987422.

ClinVar aggregate classification (germline): Pathogenic (1 of 4 stars; one submission).

Conditions:
3-methylcrotonyl-CoA carboxylase 2 deficiency. Also called: 3 alpha methylcrotonyl-CoA carboxylase 2 deficiency; 3 alpha methylcrotonylglycinuria 2; MCC 2 deficiency; Methylcrotonylglycinuria type 2; METHYLCROTONYLGLYCINURIA, TYPE II. Identifiers: Orphanet 6, MedGen C1859499, MONDO:0008862, OMIM 210210.

Submission:

Institute of Human Genetics, University of Leipzig Medical Center
Classification: Pathogenic for 3-methylcrotonyl-CoA carboxylase 2 deficiency. Last evaluated: 2018-05-29. Review status: criteria provided, single submitter. Criteria: ACMG Guidelines, 2015. Collection method: clinical testing. Allele origin: germline. Affected: yes. Observed: 1 variant allele.
Comment: This variant was identified as homozygous